The following is an entry in ClinVar:

NM_001164665.2(KIAA1549):c.1448C>T (p.Thr483Met)

Gene: KIAA1549 (KIAA1549; minus strand). Cytogenetic location: 7q34.
Variant type: single nucleotide variant.
Coding change: c.1448C>T on transcript NM_001164665.2 (MANE Select); coding-DNA position 1448, C replaced by T.
Protein change: p.Thr483Met; replaces threonine 483 with methionine.
Molecular consequence: missense variant.
Genome position (GRCh38, 1-based): chr7:138,918,178, G>A on the plus strand (C>T on the coding strand, the complement: KIAA1549 is on the minus strand). VCF-style: chr7-138918178-G-A. GRCh37 (hg19) VCF-style: chr7-138602924-G-A.
Other names: c.1448C>T, p.Thr483Met (NM_020910.3); short protein forms T483M.
Identifiers: ClinVar variation 1390715 (VCV001390715.7), dbSNP rs763932528, ClinGen allele CA4506727.

ClinVar aggregate classification (germline): Uncertain significance. Review status: criteria provided, multiple submitters, no conflicts (2 of 4 stars). 3 submissions from 3 submitters: Uncertain significance (3). Last evaluated 2023-10-01.

Conditions:
Retinal dystrophy. Also called: Inherited retinal dystrophy. Identifiers: Orphanet 71862, MedGen C0854723, MeSH D058499, MONDO:0019118, HP:0000556.

Allele frequency attached by ClinVar (database versions not stated): gnomAD 0.00001; gnomAD exomes 0.00001 and 0.00002.
gnomAD v4.1: 37 of 1,613,812 alleles (0.0023%); highest among the groups gnomAD compares: East Asian, 0.018%; no homozygotes.

Submissions (3):

Dept Of Ophthalmology, Nagoya University
Classification: Uncertain significance for Retinal dystrophy. Last evaluated: 2023-10-01. Review status: criteria provided, single submitter. Criteria: Submitter's publication. Collection method: research. Allele origin: germline. Affected: yes.

Labcorp Genetics (formerly Invitae), Labcorp
Classification: Uncertain significance. Last evaluated: 2023-03-10. Review status: criteria provided, single submitter. Criteria: Invitae Variant Classification Sherloc (09022015). Collection method: clinical testing. Allele origin: germline.
Comment: This sequence change replaces threonine, which is neutral and polar, with methionine, which is neutral and non-polar, at codon 483 of the KIAA1549 protein (p.Thr483Met). This variant is present in population databases (rs763932528, gnomAD 0.003%). This variant has not been reported in the literature in individuals affected with KIAA1549-related conditions. ClinVar contains an entry for this variant (Variation ID: 1390715). An algorithm developed to predict the effect of missense changes on protein structure and function (PolyPhen-2) suggests that this variant is likely to be disruptive. In summary, the available evidence is currently insufficient to determine the role of this variant in disease. Therefore, it has been classified as a Variant of Uncertain Significance.

Blueprint Genetics
Classification: Uncertain significance. Last evaluated: 2018-10-18. Review status: criteria provided, single submitter. Criteria: ACMG Guidelines, 2015. Collection method: clinical testing. Allele origin: germline.